The following is an entry in ClinVar:

ClinVar aggregate classification (germline): Uncertain significance (1 of 4 stars; one submission).

Conditions:
Cardiovascular phenotype. Identifiers: MedGen CN230736.

Submission:

Ambry Genetics
Classification: Uncertain significance for Cardiovascular phenotype. Last evaluated: 2025-11-24. Review status: criteria provided, single submitter. Criteria: Ambry Variant Classification Scheme 2023. Collection method: clinical testing. Allele origin: germline.
Comment: The p.E557K variant (also known as c.1669G>A), located in coding exon 4 of the JPH2 gene, results from a G to A substitution at nucleotide position 1669. The glutamic acid at codon 557 is replaced by lysine, an amino acid with similar properties. This amino acid position is conserved. In addition, this alteration is predicted to be tolerated by in silico analysis. Based on the available evidence, the clinical significance of this variant remains unclear.

NM_020433.5(JPH2):c.1669G>A (p.Glu557Lys)

Gene: JPH2 (junctophilin 2; minus strand). Cytogenetic location: 20q13.12.
Variant type: single nucleotide variant.
Coding change: c.1669G>A on transcript NM_020433.5 (MANE Select); coding-DNA position 1669, G replaced by A.
Protein change: p.Glu557Lys; replaces glutamic acid 557 with lysine.
Molecular consequence: missense variant.
Genome position (GRCh38, 1-based): chr20:44,116,006, C>T on the plus strand (G>A on the coding strand, the complement: JPH2 is on the minus strand). VCF-style: chr20-44116006-C-T. GRCh37 (hg19) VCF-style: chr20-42744646-C-T.
Other names: short protein forms E557K.
Identifiers: ClinVar variation 4614305 (VCV004614305.1).
Genomic context (GRCh38, chr20:44,116,006, plus strand): 5'-CGGGCGGCGTGGTGCGCACAGCATAGCTGTGGTAGCCCTGGTAAAGCGCCACCTCCGGCT[C>T]CCGCGACGGCGCAGGCGGTGCCTGCAGAGCCTCGATGGCCATGCGCTCGGTGGCTGGACG-3'
Protein context (NP_065166.2, residues 547-567): ALQAPPAPSR[Glu557Lys]PEVALYQGYH